The following is an entry in ClinVar:

ClinVar aggregate classification (germline): Likely pathogenic (1 of 4 stars; one submission).

Submission:

Labcorp Genetics (formerly Invitae), Labcorp
Classification: Likely pathogenic. Last evaluated: 2025-07-29. Review status: criteria provided, single submitter. Criteria: Invitae Variant Classification Sherloc (09022015). Collection method: clinical testing. Allele origin: germline.
Comment: This sequence change affects an acceptor splice site in intron 12 of the POLR3A gene. It is expected to disrupt RNA splicing. Variants that disrupt the donor or acceptor splice site typically lead to a loss of protein function (PMID: 16199547), and loss-of-function variants in POLR3A are known to be pathogenic (PMID: 21855841, 25339210, 27612211, 30414627, 30450527). This variant is not present in population databases (gnomAD no frequency). This variant has not been reported in the literature in individuals affected with POLR3A-related conditions. Algorithms developed to predict the effect of sequence changes on RNA splicing suggest that this variant may disrupt the consensus splice site. In summary, the currently available evidence indicates that the variant is pathogenic, but additional data are needed to prove that conclusively. Therefore, this variant has been classified as Likely Pathogenic.

Literature cited by the submitters: PubMed 16199547; PubMed 21855841; PubMed 25339210; PubMed 27612211; PubMed 30414627; PubMed 30450527.

NM_007055.4(POLR3A):c.1643-1G>C

Gene: POLR3A (RNA polymerase III subunit A; minus strand). Cytogenetic location: 10q22.3.
Variant type: single nucleotide variant.
Coding change: c.1643-1G>C on transcript NM_007055.4 (MANE Select); the canonical splice acceptor site of the intron before coding-DNA position 1643, G replaced by C.
Molecular consequence: splice acceptor variant.
Genome position (GRCh38, 1-based): chr10:78,009,992, C>G on the plus strand (G>C on the coding strand, the complement: POLR3A is on the minus strand). VCF-style: chr10-78009992-C-G. GRCh37 (hg19) VCF-style: chr10-79769750-C-G.
Identifiers: ClinVar variation 4724283 (VCV004724283.1).